The following is an entry in ClinVar:

ClinVar aggregate classification (germline): Uncertain significance (1 of 4 stars; one submission).

gnomAD v4.1: 51 of 1,613,748 alleles (0.0032%); no homozygotes.

Submission:

Labcorp Genetics (formerly Invitae), Labcorp
Classification: Uncertain significance. Last evaluated: 2022-04-08. Review status: criteria provided, single submitter. Criteria: Invitae Variant Classification Sherloc (09022015). Collection method: clinical testing. Allele origin: germline.
Comment: Algorithms developed to predict the effect of missense changes on protein structure and function (SIFT, PolyPhen-2, Align-GVGD) all suggest that this variant is likely to be tolerated. In summary, the available evidence is currently insufficient to determine the role of this variant in disease. Therefore, it has been classified as a Variant of Uncertain Significance. This variant has not been reported in the literature in individuals affected with COQ7-related conditions. This variant is present in population databases (rs184471591, gnomAD 0.1%). This sequence change replaces asparagine, which is neutral and polar, with threonine, which is neutral and polar, at codon 98 of the COQ7 protein (p.Asn98Thr).

NM_016138.5(COQ7):c.293A>C (p.Asn98Thr)

Gene: COQ7 (coenzyme Q7, hydroxylase; plus strand). Cytogenetic location: 16p12.3.
Variant type: single nucleotide variant.
Coding change: c.293A>C on transcript NM_016138.5 (MANE Select); coding-DNA position 293, A replaced by C.
Protein change: p.Asn98Thr; replaces asparagine 98 with threonine.
Molecular consequence: missense variant. On other transcripts: non-coding transcript variant (2).
Genome position (GRCh38, 1-based): chr16:19,073,961, A>C. VCF-style: chr16-19073961-A-C. GRCh37 (hg19) VCF-style: chr16-19085283-A-C.
Other names: c.179A>C, p.Asn60Thr (NM_001190983.2, NM_001370492.1, NM_001370493.1 and 2 more transcripts); c.251A>C, p.Asn84Thr (NM_001370489.1, NM_001370491.1); c.293A>C, p.Asn98Thr (NM_001370490.1); short protein forms N60T, N84T, N98T.
Identifiers: ClinVar variation 2080150 (VCV002080150.4), dbSNP rs184471591, ClinGen allele CA7932963.